The following is an entry in ClinVar:

NM_032119.4(ADGRV1):c.6332T>C (p.Ile2111Thr)

Gene: ADGRV1 (adhesion G protein-coupled receptor V1; plus strand). Cytogenetic location: 5q14.3.
Variant type: single nucleotide variant.
Coding change: c.6332T>C on transcript NM_032119.4 (MANE Select); coding-DNA position 6332, T replaced by C.
Protein change: p.Ile2111Thr; replaces isoleucine 2111 with threonine.
Molecular consequence: missense variant. On other transcripts: non-coding transcript variant (1).
Genome position (GRCh38, 1-based): chr5:90,685,837, T>C. VCF-style: chr5-90685837-T-C. GRCh37 (hg19) VCF-style: chr5-89981654-T-C.
Other names: short protein forms I2111T.
Identifiers: ClinVar variation 849070 (VCV000849070.10), dbSNP rs776199730, ClinGen allele CA3339759.

ClinVar aggregate classification (germline): Conflicting classifications of pathogenicity. Review status: criteria provided, conflicting classifications (1 of 4 stars). 3 submissions from 3 submitters: Uncertain significance (2); Likely benign (1). Last evaluated 2025-05-29.

Conditions:
Inborn genetic diseases. Identifiers: MedGen C0950123, MeSH D030342.

Allele frequency attached by ClinVar (database versions not stated): ExAC 0.00001; gnomAD 0.00001; gnomAD exomes 0.00001 and 0.00010; TOPMed 0.00003.
gnomAD v4.1: 150 of 1,612,262 alleles (0.0093%); highest among the groups gnomAD compares: Non-Finnish European, 0.012%; no homozygotes.

Submissions (3):

Ambry Genetics
Classification: Uncertain significance for Inborn genetic diseases. Last evaluated: 2025-05-29. Review status: criteria provided, single submitter. Criteria: Ambry Variant Classification Scheme 2023. Collection method: clinical testing. Allele origin: germline.

Labcorp Genetics (formerly Invitae), Labcorp
Classification: Likely benign. Last evaluated: 2025-05-29. Review status: criteria provided, single submitter. Criteria: Invitae Variant Classification Sherloc (09022015). Collection method: clinical testing. Allele origin: germline.

GeneDx
Classification: Uncertain significance. Last evaluated: 2020-01-08. Review status: criteria provided, single submitter. Criteria: GeneDx Variant Classification Process June 2021. Collection method: clinical testing. Allele origin: germline. Affected: yes.
Comment: Not observed at a significant frequency in large population cohorts (Lek et al., 2016); In silico analysis, which includes protein predictors and evolutionary conservation, supports that this variant does not alter protein structure/function; Has not been previously published as pathogenic or benign to our knowledge